The following is an entry in ClinVar:

NM_001458.5(FLNC):c.574G>A (p.Gly192Ser)

Gene: FLNC (filamin C; plus strand). Cytogenetic location: 7q32.1.
Variant type: single nucleotide variant.
Coding change: c.574G>A on transcript NM_001458.5 (MANE Select); coding-DNA position 574, G replaced by A.
Protein change: p.Gly192Ser; replaces glycine 192 with serine.
Molecular consequence: missense variant.
Genome position (GRCh38, 1-based): chr7:128,835,547, G>A. VCF-style: chr7-128835547-G-A. GRCh37 (hg19) VCF-style: chr7-128475601-G-A.
Other names: c.574G>A, p.Gly192Ser (NM_001127487.2); short protein forms G192S.
Identifiers: ClinVar variation 3757070 (VCV003757070.2).

ClinVar aggregate classification (germline): Uncertain significance (1 of 4 stars; one submission).

Conditions:
Distal myopathy with posterior leg and anterior hand involvement. Also called: WILLIAMS DISTAL MYOPATHY. Identifiers: Orphanet 63273, MedGen C3279722, MONDO:0013550, OMIM 614065.
Hypertrophic cardiomyopathy 26. Also called: Cardiomyopathy, familial hypertrophic, 26. Identifiers: Orphanet 75249, MedGen C4310749, MONDO:0014883, OMIM 617047.
Myofibrillar myopathy 5. Also called: Filaminopathy (type); FILAMINOPATHY, AUTOSOMAL DOMINANT. Identifiers: Orphanet 171445, MedGen C1836050, MONDO:0012289, OMIM 609524.

Submission:

Labcorp Genetics (formerly Invitae), Labcorp
Classification: Uncertain significance for Distal myopathy with posterior leg and anterior hand involvement; Myofibrillar myopathy 5; Hypertrophic cardiomyopathy 26. Last evaluated: 2024-07-23. Review status: criteria provided, single submitter. Criteria: Invitae Variant Classification Sherloc (09022015). Collection method: clinical testing. Allele origin: germline.
Comment: This sequence change replaces glycine, which is neutral and non-polar, with serine, which is neutral and polar, at codon 192 of the FLNC protein (p.Gly192Ser). This variant is not present in population databases (gnomAD no frequency). This variant has not been reported in the literature in individuals affected with FLNC-related conditions. Advanced modeling of protein sequence and biophysical properties (such as structural, functional, and spatial information, amino acid conservation, physicochemical variation, residue mobility, and thermodynamic stability) has been performed at Invitae for this missense variant, however the output from this modeling did not meet the statistical confidence thresholds required to predict the impact of this variant on FLNC protein function. In summary, the available evidence is currently insufficient to determine the role of this variant in disease. Therefore, it has been classified as a Variant of Uncertain Significance.